The following is an entry in ClinVar:

NM_005188.4(CBL):c.2656G>A (p.Glu886Lys)

Gene: CBL (Cbl proto-oncogene; plus strand). Cytogenetic location: 11q23.3.
Variant type: single nucleotide variant.
Coding change: c.2656G>A on transcript NM_005188.4 (MANE Select); coding-DNA position 2656, G replaced by A.
Protein change: p.Glu886Lys; replaces glutamic acid 886 with lysine.
Molecular consequence: missense variant.
Genome position (GRCh38, 1-based): chr11:119,299,716, G>A. VCF-style: chr11-119299716-G-A. GRCh37 (hg19) VCF-style: chr11-119170426-G-A.
Other names: short protein forms E886K.
Identifiers: ClinVar variation 1496081 (VCV001496081.8), dbSNP rs1435757249, ClinGen allele CA382933838.

ClinVar aggregate classification (germline): Uncertain significance (1 of 4 stars; one submission).

Conditions:
RASopathy. Also called: Noonan spectrum disorder; rasopathies. Identifiers: Orphanet 536391, MedGen C5555857, MONDO:0021060.

Allele frequency attached by ClinVar (database versions not stated): TOPMed below 0.00001; gnomAD exomes 0.00001.
gnomAD v4.1: 3 of 1,614,138 alleles (0.00019%); highest among the groups gnomAD compares: South Asian, 0.0011%; no homozygotes.

Submission:

Labcorp Genetics (formerly Invitae), Labcorp
Classification: Uncertain significance for RASopathy. Last evaluated: 2024-07-22. Review status: criteria provided, single submitter. Criteria: Invitae Variant Classification Sherloc (09022015). Collection method: clinical testing. Allele origin: germline.
Comment: This sequence change replaces glutamic acid, which is acidic and polar, with lysine, which is basic and polar, at codon 886 of the CBL protein (p.Glu886Lys). This variant is present in population databases (no rsID available, gnomAD 0.003%). This variant has not been reported in the literature in individuals affected with CBL-related conditions. ClinVar contains an entry for this variant (Variation ID: 1496081). Advanced modeling of protein sequence and biophysical properties (such as structural, functional, and spatial information, amino acid conservation, physicochemical variation, residue mobility, and thermodynamic stability) performed at Invitae indicates that this missense variant is not expected to disrupt CBL protein function with a negative predictive value of 95%. In summary, the available evidence is currently insufficient to determine the role of this variant in disease. Therefore, it has been classified as a Variant of Uncertain Significance.